The following is an entry in ClinVar:

NM_017514.5(PLXNA3):c.2292C>T (p.Ser764=)

Gene: PLXNA3 (plexin A3; plus strand). Cytogenetic location: Xq28.
Variant type: single nucleotide variant.
Coding change: c.2292C>T on transcript NM_017514.5 (MANE Select); coding-DNA position 2292, C replaced by T.
Protein change: p.Ser764=; no amino-acid change (serine 764 retained).
Molecular consequence: synonymous variant.
Genome position (GRCh38, 1-based): chrX:154,465,471, C>T. VCF-style: chrX-154465471-C-T. GRCh37 (hg19) VCF-style: chrX-153693814-C-T.
Identifiers: ClinVar variation 3355779 (VCV003355779.1).

ClinVar aggregate classification (germline): Likely benign (0 of 4 stars; one submission).

Conditions:
PLXNA3-related disorder. Also called: PLXNA3-related condition.

gnomAD v4.1: 23 of 1,208,066 alleles (0.0019%); highest among the groups gnomAD compares: East Asian, 0.05%; no homozygotes.

Submission:

PreventionGenetics, part of Exact Sciences
Classification: Likely benign for PLXNA3-related condition. Last evaluated: 2024-04-13. Review status: no assertion criteria provided. Collection method: clinical testing. Allele origin: germline.
Comment: This variant is classified as likely benign based on ACMG/AMP sequence variant interpretation guidelines (Richards et al. 2015 PMID: 25741868, with internal and published modifications).